The following is an entry in ClinVar:

NM_001393530.1(MATN4):c.1725C>A (p.Asn575Lys)

Gene: MATN4 (matrilin 4; minus strand). Cytogenetic location: 20q13.12.
Variant type: single nucleotide variant.
Coding change: c.1725C>A on transcript NM_001393530.1 (MANE Select); coding-DNA position 1725, C replaced by A.
Protein change: p.Asn575Lys; replaces asparagine 575 with lysine.
Molecular consequence: missense variant. On other transcripts: 3 prime UTR variant (1).
Genome position (GRCh38, 1-based): chr20:45,293,788, G>T on the plus strand (C>A on the coding strand, the complement: MATN4 is on the minus strand). VCF-style: chr20-45293788-G-T. GRCh37 (hg19) VCF-style: chr20-43922428-G-T.
Other names: c.*79C>A (NM_001393531.1); c.1725C>A, p.Asn575Lys (NM_003833.5); c.1602C>A, p.Asn534Lys (NM_030590.4); c.1479C>A, p.Asn493Lys (NM_030592.4); short protein forms N493K, N534K, N575K.
Identifiers: ClinVar variation 785656 (VCV000785656.6), dbSNP rs2233106, ClinGen allele CA9875826.

ClinVar aggregate classification (germline): Benign. Review status: criteria provided, multiple submitters, no conflicts (2 of 4 stars). 3 submissions from 3 submitters: Benign (2). 1 of the submissions does not count toward it. Last evaluated 2018-05-02.

Conditions:
MATN4-related disorder. Also called: MATN4-related condition.

Allele frequency attached by ClinVar (database versions not stated): gnomAD 0.02656 and 0.02841; ESP Exome Variant Server 0.02945; 1000 Genomes Project 30x 0.03513; gnomAD exomes 0.00688; ExAC 0.00897; 1000 Genomes Project 0.03035; TOPMed 0.03077.
gnomAD v4.1: 8,012 of 1,610,250 alleles (0.5%); highest among the groups gnomAD compares: African/African-American, 9.4%; 368 homozygotes.

Submissions (3):

Labcorp Genetics (formerly Invitae), Labcorp
Classification: Benign. Last evaluated: 2018-05-02. Review status: criteria provided, single submitter. Criteria: Invitae Variant Classification Sherloc (09022015). Collection method: clinical testing. Allele origin: germline.

Breakthrough Genomics
Classification: Benign. Review status: criteria provided, single submitter. Criteria: ACMG Guidelines, 2015. Collection method: not provided. Allele origin: germline. Inheritance: Unknown mechanism. Affected: yes.

PreventionGenetics, part of Exact Sciences
Classification: Benign for MATN4-related condition. Last evaluated: 2019-10-28. Review status: no assertion criteria provided. Collection method: clinical testing. Allele origin: germline. Not counted in ClinVar's aggregate classification.
Comment: This variant is classified as benign based on ACMG/AMP sequence variant interpretation guidelines (Richards et al. 2015 PMID: 25741868, with internal and published modifications).